The following is an entry in ClinVar:

ClinVar aggregate classification (germline): Uncertain significance (1 of 4 stars; one submission).

Submission:

GeneDx
Classification: Uncertain significance. Last evaluated: 2023-03-04. Review status: criteria provided, single submitter. Criteria: GeneDx Variant Classification Process June 2021. Collection method: clinical testing. Allele origin: germline. Affected: yes.
Comment: In-frame deletion of 3 amino acids in a non-repeat region; In silico analysis supports that this variant does not alter protein structure/function; Has not been previously published as pathogenic or benign to our knowledge

NM_001379200.1(TBX1):c.1152_1160del (p.385AGG[1])

Gene: TBX1 (T-box transcription factor 1; plus strand). Cytogenetic location: 22q11.21.
Variant type: Deletion.
Coding change: c.1152_1160del on transcript NM_001379200.1 (MANE Select); coding-DNA positions 1152 to 1160, 9 bases deleted (GGCCGGCGG; older notation c.1152_1160delGGCCGGCGG).
Protein change: p.385AGG[1].
Molecular consequence: inframe deletion. On other transcripts: intron variant (2).
Genome position (GRCh38, 1-based): chr22:19,766,504-19,766,512, GGCCGGCGG deleted; deleting any 9 consecutive bases within chr22:19,766,501-19,766,512 gives the same sequence; the c. name uses the placement nearest the transcript's 3' end. VCF-style (leftmost placement, unchanged base first): chr22-19766500-CCGGGGCCGG-C. GRCh37 (hg19) VCF-style: chr22-19754023-CCGGGGCCGG-C.
Other names: c.1125_1133del, p.376AGG[1] (NM_080647.1); c.1009+502_1009+510del (NM_005992.1, NM_080646.2).
Identifiers: ClinVar variation 2578177 (VCV002578177.1), dbSNP rs1936850465, ClinGen allele CA2577647149.